The following is an entry in ClinVar:

NM_002609.4(PDGFRB):c.1686C>G (p.Tyr562Ter)

Gene: PDGFRB (platelet derived growth factor receptor beta; minus strand). Cytogenetic location: 5q32.
Variant type: single nucleotide variant.
Coding change: c.1686C>G on transcript NM_002609.4 (MANE Select); coding-DNA position 1686, C replaced by G.
Protein change: p.Tyr562Ter; replaces tyrosine 562 with a stop codon.
Molecular consequence: nonsense.
Genome position (GRCh38, 1-based): chr5:150,125,566, G>C on the plus strand (C>G on the coding strand, the complement: PDGFRB is on the minus strand). VCF-style: chr5-150125566-G-C. GRCh37 (hg19) VCF-style: chr5-149505129-G-C.
Other names: c.1494C>G, p.Tyr498Ter (NM_001355016.2); c.1203C>G, p.Tyr401Ter (NM_001355017.2); short protein forms Y498*, Y401*, Y562*.
Identifiers: ClinVar variation 931386 (VCV000931386.3), dbSNP rs570202484, ClinGen allele CA361766387.
Genomic context (GRCh38, chr5:150,125,566, plus strand): 5'-CACGTAGATGTACTCATGGCCGTCAGAGCTCACAGACTCAATCACCTTCCATCGGATCTC[G>C]TAACGTGGCTTCTGGAGGACCAACCCCAGGAATTAGTTATCAGAGGGAGTCTCAGGCCCT-3'

ClinVar aggregate classification (germline): Uncertain significance (1 of 4 stars; one submission).

Conditions:
Basal ganglia calcification, idiopathic, 4 (PFBC4). Also called: PRIMARY FAMILIAL BRAIN CALCIFICATION 4, AUTOSOMAL DOMINANT; Familial Idiopathic Basal Ganglia Calcification 4. Identifiers: Orphanet 1980, MedGen C3554321, MONDO:0014004, OMIM 615007.

Submission:

Centre for Mendelian Genomics, University Medical Centre Ljubljana
Classification: Uncertain significance for Basal ganglia calcification, idiopathic, 4. Last evaluated: 2019-03-19. Review status: criteria provided, single submitter. Criteria: ACMG Guidelines, 2015. Collection method: clinical testing. Allele origin: unknown. Affected: yes.
Comment: This variant was classified as: Uncertain significance. The available evidence on this variant's pathogenicity is insufficient or conflicting. The following ACMG criteria were applied in classifying this variant: PM2.